The following is an entry in ClinVar:

NM_006254.4(PRKCD):c.315+10G>A

Gene: PRKCD (protein kinase C delta; plus strand). Cytogenetic location: 3p21.1.
Variant type: single nucleotide variant.
Coding change: c.315+10G>A on transcript NM_006254.4 (MANE Select); 10 bases into the intron after coding-DNA position 315, G replaced by A.
Molecular consequence: intron variant.
Genome position (GRCh38, 1-based): chr3:53,179,786, G>A. VCF-style: chr3-53179786-G-A. GRCh37 (hg19) VCF-style: chr3-53213802-G-A.
Other names: c.315+10G>A (NM_001354680.2, NM_001354679.2, NM_212539.2 and 1 more transcripts); c.372+10G>A (NM_001354676.2); c.363+10G>A (NM_001354678.2).
Identifiers: ClinVar variation 750676 (VCV000750676.9), dbSNP rs782548097, ClinGen allele CA2451730.

ClinVar aggregate classification (germline): Likely benign. Review status: criteria provided, single submitter (1 of 4 stars). 2 submissions from 2 submitters: Likely benign (1). 1 of the submissions does not count toward it. Last evaluated 2026-01-21.

Conditions:
PRKCD-related disorder. Also called: PRKCD-related condition.
Autoimmune lymphoproliferative syndrome, type III caused by mutation in PRKCD. Identifiers: Orphanet 3261, Orphanet 664711, MedGen C3809928, MONDO:8000024, OMIM 615559.

Allele frequency attached by ClinVar (database versions not stated): gnomAD 0.00006 and 0.00005; ExAC 0.00004; TOPMed 0.00007.
gnomAD v4.1: 85 of 1,551,872 alleles (0.0055%); highest among the groups gnomAD compares: Middle Eastern, 0.018%; no homozygotes.

Submissions (2):

Labcorp Genetics (formerly Invitae), Labcorp
Classification: Likely benign for Autoimmune lymphoproliferative syndrome, type III caused by mutation in PRKCD. Last evaluated: 2026-01-21. Review status: criteria provided, single submitter. Criteria: Invitae Variant Classification Sherloc (09022015). Collection method: clinical testing. Allele origin: germline.

PreventionGenetics, part of Exact Sciences
Classification: Likely benign for PRKCD-related condition. Last evaluated: 2019-12-16. Review status: no assertion criteria provided. Collection method: clinical testing. Allele origin: germline. Not counted in ClinVar's aggregate classification.
Comment: This variant is classified as likely benign based on ACMG/AMP sequence variant interpretation guidelines (Richards et al. 2015 PMID: 25741868, with internal and published modifications).